The following is an entry in ClinVar:

ClinVar aggregate classification (germline): Uncertain significance (1 of 4 stars; one submission).

Conditions:
Familial focal epilepsy with variable foci (FPEVF). Identifiers: Orphanet 98820, MedGen C1858477, MONDO:0020310.

Submission:

Labcorp Genetics (formerly Invitae), Labcorp
Classification: Uncertain significance for Familial focal epilepsy with variable foci. Last evaluated: 2018-12-21. Review status: criteria provided, single submitter. Criteria: Invitae Variant Classification Sherloc (09022015). Collection method: clinical testing. Allele origin: germline.
Comment: In summary, the available evidence is currently insufficient to determine the role of this variant in disease. Therefore, it has been classified as a Variant of Uncertain Significance. Algorithms developed to predict the effect of missense changes on protein structure and function are either unavailable or do not agree on the potential impact of this missense change (SIFT: "Tolerated"; PolyPhen-2: "Not Available"; Align-GVGD: "Class C0"). This variant has not been reported in the literature in individuals with DEPDC5-related conditions. This variant is not present in population databases (ExAC no frequency). This sequence change replaces glutamic acid with aspartic acid at codon 979 of the DEPDC5 protein (p.Glu979Asp). The glutamic acid residue is highly conserved and there is a small physicochemical difference between glutamic acid and aspartic acid.

NM_001242896.3(DEPDC5):c.2937G>C (p.Glu979Asp)

Gene: DEPDC5 (DEP domain containing 5, GATOR1 subcomplex subunit; plus strand). Cytogenetic location: 22q12.3.
Variant type: single nucleotide variant.
Coding change: c.2937G>C on transcript NM_001242896.3 (MANE Select); coding-DNA position 2937, G replaced by C.
Protein change: p.Glu979Asp; replaces glutamic acid 979 with aspartic acid.
Molecular consequence: missense variant. On other transcripts: non-coding transcript variant (5).
Genome position (GRCh38, 1-based): chr22:31,845,153, G>C. VCF-style: chr22-31845153-G-C. GRCh37 (hg19) VCF-style: chr22-32241139-G-C.
Other names: c.2910G>C, p.Glu970Asp (NM_001136029.4, NM_001369903.1, NM_014662.6); c.2703G>C, p.Glu901Asp (NM_001242897.2, NM_001363854.2, NM_001364319.2); c.2937G>C, p.Glu979Asp (NM_001363852.2, NM_001364318.2, NM_001364320.2); c.2853G>C, p.Glu951Asp (NM_001369901.1, NM_001369902.1); short protein forms E901D, E970D, E951D, E979D.
Identifiers: ClinVar variation 646777 (VCV000646777.10), dbSNP rs1602368020, ClinGen allele CA411291262.